The following is an entry in ClinVar:

NM_005219.5(DIAPH1):c.808C>T (p.Pro270Ser)

Gene: DIAPH1 (diaphanous related formin 1; minus strand). Cytogenetic location: 5q31.3.
Variant type: single nucleotide variant.
Coding change: c.808C>T on transcript NM_005219.5 (MANE Select); coding-DNA position 808, C replaced by T.
Protein change: p.Pro270Ser; replaces proline 270 with serine.
Molecular consequence: missense variant.
Genome position (GRCh38, 1-based): chr5:141,580,760, G>A on the plus strand (C>T on the coding strand, the complement: DIAPH1 is on the minus strand). VCF-style: chr5-141580760-G-A. GRCh37 (hg19) VCF-style: chr5-140960327-G-A.
Other names: c.781C>T, p.Pro261Ser (NM_001079812.3); c.808C>T, p.Pro270Ser (NM_001314007.2); short protein forms P261S, P270S.
Identifiers: ClinVar variation 3760242 (VCV003760242.2).

ClinVar aggregate classification (germline): Uncertain significance (1 of 4 stars; one submission).

Conditions:
Autosomal dominant nonsyndromic hearing loss 1. Also called: KONIGSMARK SYNDROME; DEAFNESS, AUTOSOMAL DOMINANT 1, WITH OR WITHOUT THROMBOCYTOPENIA. Identifiers: Orphanet 90635, MedGen C1852282, MONDO:0007424, OMIM 124900.
Progressive microcephaly-seizures-cortical blindness-developmental delay syndrome. Also called: Seizures, cortical blindness, and microcephaly syndrome. Identifiers: Orphanet 477814, MedGen C5567650, MONDO:0014714, OMIM 616632.

gnomAD v4.1: 1 of 1,614,116 alleles (0.000062%); highest among the groups gnomAD compares: Non-Finnish European, 0.000085%; no homozygotes.

Submission:

Labcorp Genetics (formerly Invitae), Labcorp
Classification: Uncertain significance for Progressive microcephaly-seizures-cortical blindness-developmental delay syndrome; Autosomal dominant nonsyndromic hearing loss 1. Last evaluated: 2025-01-05. Review status: criteria provided, single submitter. Criteria: Invitae Variant Classification Sherloc (09022015). Collection method: clinical testing. Allele origin: germline.
Comment: This sequence change replaces proline, which is neutral and non-polar, with serine, which is neutral and polar, at codon 270 of the DIAPH1 protein (p.Pro270Ser). The frequency data for this variant in the population databases is considered unreliable, as metrics indicate poor data quality at this position in the gnomAD database. This variant has not been reported in the literature in individuals affected with DIAPH1-related conditions. Experimental studies and prediction algorithms are not available or were not evaluated, and the functional significance of this variant is currently unknown. In summary, the available evidence is currently insufficient to determine the role of this variant in disease. Therefore, it has been classified as a Variant of Uncertain Significance.